The following is an entry in ClinVar:

ClinVar aggregate classification (germline): Conflicting classifications of pathogenicity. Review status: criteria provided, conflicting classifications (1 of 4 stars). 3 submissions from 3 submitters: Pathogenic (1); Uncertain significance (1). 1 of the submissions does not count toward it. Last evaluated 2024-08-28.

Conditions:
Immunodeficiency 106, susceptibility to viral infections (IMD106). Also called: IFNAR1 DEFICIENCY. Identifiers: MedGen C5677009, MONDO:0030970, OMIM 619935.

Allele frequency attached by ClinVar (database versions not stated): gnomAD 0.00001.

Submissions (3):

Blueprint Genetics
Classification: Uncertain significance. Last evaluated: 2024-08-28. Review status: criteria provided, single submitter. Criteria: ACMG Guidelines, 2015. Collection method: clinical testing. Allele origin: germline.

Labcorp Genetics (formerly Invitae), Labcorp
Classification: Pathogenic. Last evaluated: 2022-06-09. Review status: criteria provided, single submitter. Criteria: Invitae Variant Classification Sherloc (09022015). Collection method: clinical testing. Allele origin: germline.
Comment: This variant has not been reported in the literature in individuals affected with IFNAR1-related conditions. This variant is not present in population databases (gnomAD no frequency). This sequence change creates a premature translational stop signal (p.Glu386*) in the IFNAR1 gene. It is expected to result in an absent or disrupted protein product. Loss-of-function variants in IFNAR1 are known to be pathogenic (PMID: 31270247, 32960813). For these reasons, this variant has been classified as Pathogenic. Algorithms developed to predict the effect of sequence changes on RNA splicing suggest that this variant may disrupt the consensus splice site.

OMIM
Classification: risk factor for IMMUNODEFICIENCY 106, SUSCEPTIBILITY TO VIRAL INFECTIONS. Last evaluated: 2022-06-30. Review status: no assertion criteria provided. Collection method: literature only. Allele origin: germline. Not counted in ClinVar's aggregate classification.

Literature cited by the submitters: PubMed 31270247 (cited by Labcorp Genetics (formerly Invitae), Labcorp); PubMed 32960813 (cited by Labcorp Genetics (formerly Invitae), Labcorp); PubMed 35442418 (cited by OMIM).

NM_000629.3(IFNAR1):c.1156G>T (p.Glu386Ter)

Gene: IFNAR1 (interferon alpha and beta receptor subunit 1; plus strand). Cytogenetic location: 21q22.11.
Variant type: single nucleotide variant.
Coding change: c.1156G>T on transcript NM_000629.3 (MANE Select); coding-DNA position 1156, G replaced by T.
Protein change: p.Glu386Ter; replaces glutamic acid 386 with a stop codon.
Molecular consequence: nonsense.
Genome position (GRCh38, 1-based): chr21:33,352,770, G>T. VCF-style: chr21-33352770-G-T. GRCh37 (hg19) VCF-style: chr21-34725076-G-T.
Other names: IFNAR1, GLU386TER (rs201609461); c.1156G>T, p.Glu386Ter (NM_001384498.1, NM_001384499.1, NM_001384503.1); c.394G>T, p.Glu132Ter (NM_001384500.1); c.1141G>T, p.Glu381Ter (NM_001384501.1); c.694G>T, p.Glu232Ter (NM_001384502.1); c.949G>T, p.Glu317Ter (NM_001384504.1); short protein forms E232*, E317*, E381*, E386*, E132*.
Identifiers: ClinVar variation 1437264 (VCV001437264.8), dbSNP rs201609461, ClinGen allele CA320148351.